The following is an entry in ClinVar:

ClinVar aggregate classification (germline): Pathogenic/Likely pathogenic. Review status: criteria provided, multiple submitters, no conflicts (2 of 4 stars). 8 submissions from 8 submitters: Pathogenic (2); Likely pathogenic (6). Last evaluated 2025-11-13.

Conditions:
Cardiovascular phenotype. Identifiers: MedGen CN230736.
Cardiomyopathy (CMYO). Also called: Cardiomyopathies. Identifiers: Orphanet 167848, MedGen C0878544, MONDO:0004994, HP:0001638. Inheritance: Various modes of inheritance.
Hypertrophic cardiomyopathy 7. Also called: TNNI3-Related Familial Hypertrophic Cardiomyopathy; Familial hypertrophic cardiomyopathy 7; CARDIOMYOPATHY, FAMILIAL HYPERTROPHIC, 7, MODIFIER OF. Identifiers: MedGen C1860752, MONDO:0013369, OMIM 613690.
Hypertrophic cardiomyopathy. Also called: HYPERTROPHIC MYOCARDIOPATHY. Identifiers: Orphanet 217569, MedGen C0007194, MeSH D002312, MONDO:0005045, HP:0001639.

Allele frequency attached by ClinVar (database versions not stated): gnomAD 0.00001.
gnomAD v4.1: 3 of 1,614,010 alleles (0.00019%); highest among the groups gnomAD compares: Non-Finnish European, 0.00017%; no homozygotes.

Submissions 1 to 7 of 8:

Labcorp Genetics (formerly Invitae), Labcorp
Classification: Pathogenic for Hypertrophic cardiomyopathy. Last evaluated: 2025-11-13. Review status: criteria provided, single submitter. Criteria: Invitae Variant Classification Sherloc (09022015). Collection method: clinical testing. Allele origin: germline.
Comment: This sequence change replaces leucine, which is neutral and non-polar, with valine, which is neutral and non-polar, at codon 198 of the TNNI3 protein (p.Leu198Val). This variant is not present in population databases (gnomAD no frequency). This missense change has been observed in individuals with autosomal dominant hypertrophic cardiomyopathy (PMID: 21839045, 22112859, 25524337, 27532257, 32746448, 33777698, 37089884). ClinVar contains an entry for this variant (Variation ID: 177694). An algorithm developed to predict the effect of missense changes on protein structure and function (PolyPhen-2) suggests that this variant is likely to be tolerated. Algorithms developed to predict the effect of sequence changes on RNA splicing suggest that this variant may create or strengthen a splice site. This variant disrupts the p.Leu198 amino acid residue in TNNI3. Other variant(s) that disrupt this residue have been observed in individuals with TNNI3-related conditions (PMID: 15698845), which suggests that this may be a clinically significant amino acid residue. For these reasons, this variant has been classified as Pathogenic.

Molecular Diagnostic Laboratory for Inherited Cardiovascular Disease, Montreal Heart Institute
Classification: Pathogenic for Cardiovascular phenotype. Last evaluated: 2025-08-27. Review status: criteria provided, single submitter. Criteria: ACMG Guidelines, 2015. Collection method: clinical testing. Allele origin: germline. Affected: yes.
Comment: PS4, PM1, PM2, PP1, PP2

GeneDx
Classification: Likely pathogenic. Last evaluated: 2024-12-13. Review status: criteria provided, single submitter. Criteria: GeneDx Variant Classification Process June 2021. Collection method: clinical testing. Allele origin: germline. Affected: yes.
Comment: Not observed at significant frequency in large population cohorts (gnomAD); In silico analysis indicates that this missense variant does not alter protein structure/function; This variant is associated with the following publications: (PMID: 19914256, 26526134, 19754353, 21839045, 25558701, 23861362, 25351510, 22112859, 28087566, 19033660, 27532257, 25524337, 32746448, 33777698, 37652022, 37089884)

Ambry Genetics
Classification: Likely pathogenic for Cardiovascular phenotype. Last evaluated: 2024-12-06. Review status: criteria provided, single submitter. Criteria: Ambry Variant Classification Scheme 2023. Collection method: clinical testing. Allele origin: germline.
Comment: The p.L198V variant (also known as c.592C>G), located in coding exon 8 of the TNNI3 gene, results from a C to G substitution at nucleotide position 592. The leucine at codon 198 is replaced by valine, an amino acid with highly similar properties. This variant has been detected in several individuals diagnosed with hypertrophic cardiomyopathy (HCM) and in individuals from HCM cohorts or cohorts referred for HCM genetic testing (Lopes LR et al. Heart, 2015 Feb;101:294-301; Maron BJ et al. Heart Rhythm, 2012 Jan;9:57-63; Otsuka H et al. Circ J, 2012 Nov;76:453-61; Arad M et al. Isr Med Assoc J, 2014 Nov;16:707-13; Coppini R et al. J Am Coll Cardiol, 2014 Dec;64:2589-2600; Walsh R et al. Genet Med, 2017 02;19:192-203; Burstein DS et al. Pediatr Res, 2021 05;89:1470-1476; external communication). This variant has also been reported to segregate with HCM in families (Cava F et al. Mol Genet Metab Rep, 2021 Jun;27:100743; external communication). This amino acid position is not well conserved in available vertebrate species. In addition, the in silico prediction for this alteration is inconclusive. Based on the supporting evidence, this variant is expected to be causative of autosomal dominant cardiomyopathy; however, its clinical significance for autosomal recessive dilated cardiomyopathy is unclear.

Color Diagnostics, LLC DBA Color Health
Classification: Likely pathogenic for Cardiomyopathy. Last evaluated: 2024-01-10. Review status: criteria provided, single submitter. Criteria: ACMG Guidelines, 2015. Collection method: clinical testing. Allele origin: germline.
Comment: This missense variant replaces leucine with valine at codon 198 in the C-terminal mobile domain of the TNNI3 protein. Computational prediction tools indicate that this variant has a neutral impact on protein structure and function. To our knowledge, functional studies have not been reported for this variant. This variant has been reported in over 15 individuals affected with hypertrophic cardiomyopathy (PMID: 21839045, 22112859, 25351510, 25524337, 25558701, 25611685, 27532257, 29710196, 29875424, 30297972, 32481709, 32746448, 33777698, 33495597, 34556856, 37089884; communication with an external laboratory, ClinVar SCV000209193.8), and in one individual affected with restrictive cardiomyopathy (PMID: 28087566). It has been shown that this variant segregates with disease in 7 affected individuals across 3 families (PMID: 33777698; communication with an external laboratory, ClinVar SCV000209193.8). This TNNI3 variant segregated with hypertrophic cardiomyopathy in one parent, while the KCNQ1 variant segregated with long QT syndrome in the other parent (PMID: 33777698). This variant has been identified in 1/249572 chromosomes in the general population by the Genome Aggregation Database (gnomAD). Based on the available evidence, this variant is classified as Likely Pathogenic.

CHEO Genetics Diagnostic Laboratory, Children's Hospital of Eastern Ontario
Classification: Likely pathogenic for Cardiomyopathy. Last evaluated: 2023-05-12. Review status: criteria provided, single submitter. Criteria: ACMG Guidelines, 2015. Collection method: clinical testing. Allele origin: germline.

Victorian Clinical Genetics Services, Murdoch Childrens Research Institute
Classification: Likely pathogenic for Hypertrophic cardiomyopathy 7. Last evaluated: 2022-02-02. Review status: criteria provided, single submitter. Criteria: ACMG Guidelines, 2015. Collection method: clinical testing. Allele origin: germline. Inheritance: Autosomal dominant inheritance. Affected: yes.
Comment: Based on the classification scheme VCGS_Germline_v1.3.4, this variant is classified as likely pathogenic. Following criteria are met: 0103 - Gain of function and loss of function are reported mechanisms of disease in this gene. The former is associated with familial restrictive cardiomyopathy 1 (MIM#115210) and hypertrophic cardiomyopathy 7 (MIM#613690), while the latter is associated with dilated cardiomyopathy 1FF (MIM#613286) (PMIDs: 19914256, 21533915). (I) 0108 - This gene is associated with both recessive and dominant disease. The recessive form of inheritance is the exception and has only been reported in a small number of families (PMIDs: 15070570, 23270746). (I) 0112 - The condition associated with this gene has incomplete penetrance (PMID: 15607392). (I) 0115 - Variants in this gene are known to have variable expressivity (PMID: 23270746). (I) 0200 - Variant is predicted to result in a missense amino acid change from leucine to valine. (I) 0251 - This variant is heterozygous. (I) 0302 - Variant is present in gnomAD (v2) <0.001 for a dominant condition (1 heterozygote, 0 homozygotes). (SP) 0502 - Missense variant with conflicting in silico predictions and uninformative conservation. (I) 0604 - Variant is not located in an established domain, motif, hotspot or informative constraint region. (I) 0705 - No comparable missense variants have previous evidence for pathogenicity. (I) 0801 - This variant has strong previous evidence of pathogenicity in unrelated individuals. This variant has been reported in multiple individuals with HCM (PMID: 27532257, 22112859, 28087566, ClinVar). This variant has also been identified in HCM probands with additional variants in other genes (PMID: 33777698, 25558701, 21839045, 23396983). (SP) 0906 - Segregation evidence for this variant is inconclusive. This variant segregated with HCM in two affected siblings of a HCM proband (PMID: 22112859). This variant has also been identified in two unaffected daughters of a HCM proband, however, this could be due to incomplete or age-related penetrance (PMID: 25558701). (I) 1007 - No published functional evidence has been identified for this variant. (I) 1208 - Inheritance information for this variant is not currently available in this individual. (I) Legend: (SP) - Supporting pathogenic, (I) - Information, (SB) - Supporting benign

NM_000363.5(TNNI3):c.592C>G (p.Leu198Val)

Gene: TNNI3 (troponin I3, cardiac type; minus strand). Cytogenetic location: 19q13.42.
Variant type: single nucleotide variant.
Coding change: c.592C>G on transcript NM_000363.5 (MANE Select); coding-DNA position 592, C replaced by G.
Protein change: p.Leu198Val; replaces leucine 198 with valine.
Molecular consequence: missense variant.
Genome position (GRCh38, 1-based): chr19:55,151,875, G>C on the plus strand (C>G on the coding strand, the complement: TNNI3 is on the minus strand). VCF-style: chr19-55151875-G-C. GRCh37 (hg19) VCF-style: chr19-55663243-G-C.
Other names: p.L198V:CTG>GTG; short protein forms L198V.
Identifiers: ClinVar variation 177694 (VCV000177694.29), dbSNP rs727504285, ClinGen allele CA022019.